The following is an entry in ClinVar:

NM_001048174.2(MUTYH):c.1503G>A (p.Leu501=)

Gene: MUTYH (mutY DNA glycosylase; minus strand). Cytogenetic location: 1p34.1.
Variant type: single nucleotide variant.
Coding change: c.1503G>A on transcript NM_001048174.2 (MANE Select); coding-DNA position 1503, G replaced by A.
Protein change: p.Leu501=; no amino-acid change (leucine 501 retained).
Molecular consequence: synonymous variant. On other transcripts: non-coding transcript variant (2).
Genome position (GRCh38, 1-based): chr1:45,329,369, C>T on the plus strand (G>A on the coding strand, the complement: MUTYH is on the minus strand). VCF-style: chr1-45329369-C-T. GRCh37 (hg19) VCF-style: chr1-45795041-C-T.
Other names: c.1503G>A, p.Leu501= (NM_001048171.2, NM_001048173.2, NM_001293195.2); c.1506G>A, p.Leu502= (NM_001048172.2); c.1587G>A, p.Leu529= (NM_001128425.2); c.1548G>A, p.Leu516= (NM_001293190.2); c.1536G>A, p.Leu512= (NM_001293191.2); c.1227G>A, p.Leu409= (NM_001293192.2, NM_001293196.2); c.1158G>A, p.Leu386= (NM_001350650.2, NM_001350651.2); c.1578G>A, p.Leu526= (NM_012222.3).
Identifiers: ClinVar variation 760120 (VCV000760120.14), dbSNP rs1570312139, ClinGen allele CA340131681.

ClinVar aggregate classification (germline): Conflicting classifications of pathogenicity. Review status: criteria provided, conflicting classifications (1 of 4 stars). 3 submissions from 3 submitters: Uncertain significance (1); Likely benign (2). Last evaluated 2024-06-06.

Conditions:
Familial adenomatous polyposis 2. Also called: MUTYH Polyposis; COLORECTAL ADENOMATOUS POLYPOSIS, AUTOSOMAL RECESSIVE; ADENOMAS, MULTIPLE COLORECTAL, AUTOSOMAL RECESSIVE; MUTYH-related attenuated familial adenomatous polyposis; FAP type 2; MUTYH-associated polyposis. Identifiers: Orphanet 220460, Orphanet 247798, MedGen C3272841, MONDO:0012041, OMIM 608456.
Hereditary cancer-predisposing syndrome. Also called: Tumor predisposition; Hereditary Cancer Syndrome; Hereditary neoplastic syndrome; Neoplastic Syndromes, Hereditary. Identifiers: Orphanet 140162, MedGen C0027672, MeSH D009386, MONDO:0015356.

Submissions (3):

GeneDx
Classification: Uncertain significance. Last evaluated: 2024-06-06. Review status: criteria provided, single submitter. Criteria: GeneDx Variant Classification Process June 2021. Collection method: clinical testing. Allele origin: germline. Affected: yes.
Comment: Not observed at significant frequency in large population cohorts (gnomAD); In silico analysis indicates that this variant does not alter splicing; Has not been previously published as pathogenic or benign to our knowledge

Labcorp Genetics (formerly Invitae), Labcorp
Classification: Likely benign for Familial adenomatous polyposis 2. Last evaluated: 2024-01-31. Review status: criteria provided, single submitter. Criteria: Invitae Variant Classification Sherloc (09022015). Collection method: clinical testing. Allele origin: germline.

Ambry Genetics
Classification: Likely benign for Hereditary cancer-predisposing syndrome. Last evaluated: 2022-01-18. Review status: criteria provided, single submitter. Criteria: Ambry Variant Classification Scheme 2023. Collection method: clinical testing. Allele origin: germline.